The following is an entry in ClinVar:

NM_022124.6(CDH23):c.430-27152G>C

Gene: CDH23 (cadherin related 23; plus strand). Cytogenetic location: 10q22.1.
Variant type: single nucleotide variant.
Coding change: c.430-27152G>C on transcript NM_022124.6 (MANE Select); 27152 bases into the intron before coding-DNA position 430, G replaced by C.
Molecular consequence: intron variant.
Genome position (GRCh38, 1-based): chr10:71,539,590, G>C. VCF-style: chr10-71539590-G-C. GRCh37 (hg19) VCF-style: chr10-73299347-G-C.
Other names: c.430-27152G>C (NM_001171930.2, NM_001171931.2, NM_052836.4 and 1 more transcripts).
Identifiers: ClinVar variation 3338161 (VCV003338161.1).
Genomic context (GRCh38, chr10:71,539,590, plus strand): 5'-TGCAAAACTAGAGATATAACAGCTCCTTTTATCTCCCATTTCAAAACCCAATTTGTTCCT[G>C]CTGTCTCCTGAGGGCTGCATTGCAAACCCAGCCTCTCTCCTCCTTGGAGAACTATGCATA-3'

ClinVar aggregate classification (germline): Uncertain significance (0 of 4 stars; one submission).

Conditions:
Hearing impairment. Also called: Impaired Hearing. Identifiers: MedGen C1384666, MONDO:0005365, HP:0000365.

gnomAD v4.1: 156 of 152,032 alleles (0.1%); highest among the groups gnomAD compares: African/African-American, 0.35%; no homozygotes.

Submission:

Joint Genome Diagnostic Labs from Nijmegen and Maastricht, Radboudumc and MUMC+
Classification: Uncertain significance for hearing impairment. Review status: no assertion criteria provided. Collection method: clinical testing. Allele origin: germline. Affected: yes.